The following is an entry in ClinVar:

ClinVar aggregate classification (germline): Uncertain significance. Review status: criteria provided, multiple submitters, no conflicts (2 of 4 stars). 4 submissions from 4 submitters: Uncertain significance (4). Last evaluated 2024-09-04.

Conditions:
Emery-Dreifuss muscular dystrophy 4, autosomal dominant (EDMD4). Also called: EMERY-DREIFUSS MUSCULAR DYSTROPHY 4 WITH VARIABLE FEATURES. Identifiers: Orphanet 261, MedGen C2751807, MONDO:0013071, OMIM 612998.
Autosomal recessive ataxia, Beauce type. Also called: SYNE1-Related Autosomal Recessive Cerebellar Ataxia; SYNE1 Deficiency; Spinocerebellar ataxia, autosomal recessive 8; ATAXIA, RECESSIVE, OF BEAUCE. Identifiers: Orphanet 88644, MedGen C1853116, MONDO:0012549, OMIM 610743.

Allele frequency attached by ClinVar (database versions not stated): TOPMed 0.00001; 1000 Genomes Project 30x 0.00016.
gnomAD v4.1: 3 of 1,614,078 alleles (0.00019%); highest among the groups gnomAD compares: East Asian, 0.0067%; no homozygotes.

Submissions (4):

Blueprint Genetics
Classification: Uncertain significance. Last evaluated: 2024-09-04. Review status: criteria provided, single submitter. Criteria: ACMG Guidelines, 2015. Collection method: clinical testing. Allele origin: germline.

Labcorp Genetics (formerly Invitae), Labcorp
Classification: Uncertain significance for Emery-Dreifuss muscular dystrophy 4, autosomal dominant; Autosomal recessive ataxia, Beauce type. Last evaluated: 2022-06-27. Review status: criteria provided, single submitter. Criteria: Invitae Variant Classification Sherloc (09022015). Collection method: clinical testing. Allele origin: germline.
Comment: In summary, the available evidence is currently insufficient to determine the role of this variant in disease. Therefore, it has been classified as a Variant of Uncertain Significance. Algorithms developed to predict the effect of missense changes on protein structure and function are either unavailable or do not agree on the potential impact of this missense change (SIFT: "Deleterious"; PolyPhen-2: "Probably Damaging"; Align-GVGD: "Class C0"). ClinVar contains an entry for this variant (Variation ID: 448589). This variant has not been reported in the literature in individuals affected with SYNE1-related conditions. This variant is present in population databases (rs201799566, gnomAD 0.02%). This sequence change replaces isoleucine, which is neutral and non-polar, with methionine, which is neutral and non-polar, at codon 8114 of the SYNE1 protein (p.Ile8114Met).

Eurofins Ntd Llc (ga)
Classification: Uncertain significance. Last evaluated: 2017-05-09. Review status: criteria provided, single submitter. Criteria: EGL Classification Definitions 2015. Collection method: clinical testing. Allele origin: germline. Observed: 1 variant allele, 1 heterozygote.

Athena Diagnostics
Classification: Uncertain significance. Last evaluated: 2016-09-30. Review status: criteria provided, single submitter. Criteria: Athena Diagnostics Criteria. Collection method: clinical testing. Allele origin: germline.

NM_182961.4(SYNE1):c.24555C>G (p.Ile8185Met)

Gene: SYNE1 (spectrin repeat containing nuclear envelope protein 1; minus strand). Cytogenetic location: 6q25.2.
Variant type: single nucleotide variant.
Coding change: c.24555C>G on transcript NM_182961.4 (MANE Select); coding-DNA position 24555, C replaced by G.
Protein change: p.Ile8185Met; replaces isoleucine 8185 with methionine.
Molecular consequence: missense variant.
Genome position (GRCh38, 1-based): chr6:152,149,564, G>C on the plus strand (C>G on the coding strand, the complement: SYNE1 is on the minus strand). VCF-style: chr6-152149564-G-C. GRCh37 (hg19) VCF-style: chr6-152470699-G-C.
Other names: c.1161C>G, p.Ile387Met (NM_001347701.2); c.1020C>G, p.Ile340Met (NM_001347702.2); c.24342C>G, p.Ile8114Met (NM_033071.5); short protein forms I8114M, I8185M, I387M, I340M.
Identifiers: ClinVar variation 448589 (VCV000448589.11), dbSNP rs201799566, ClinGen allele CA4053151.